The following is an entry in ClinVar:

ClinVar aggregate classification (germline): Benign/Likely benign. Review status: criteria provided, multiple submitters, no conflicts (2 of 4 stars). 4 submissions from 4 submitters: Benign (1); Likely benign (3). Last evaluated 2025-03-18.

Conditions:
Juvenile polyposis syndrome (JPS). Identifiers: Orphanet 2929, MedGen C0345893, MONDO:0017380, OMIM 174900.
Hereditary cancer-predisposing syndrome. Also called: Hereditary neoplastic syndrome; Tumor predisposition; Neoplastic Syndromes, Hereditary; Hereditary Cancer Syndrome. Identifiers: Orphanet 140162, MedGen C0027672, MeSH D009386, MONDO:0015356.
Familial thoracic aortic aneurysm and aortic dissection (TAAD). Also called: Thoracic aortic aneurysms and dissections. Identifiers: Orphanet 91387, MedGen C4707243, MONDO:0019625.
Juvenile polyposis/hereditary hemorrhagic telangiectasia syndrome (JPHT). Also called: Juvenile Polyposis Syndrome / Hereditary Hemorrhagic Telangiectasia (JPS/HHT); JP/HHT SYNDROME; JUVENILE POLYPOSIS WITH HEREDITARY HEMORRHAGIC TELANGIECTASIA; POLYPOSIS, GENERALIZED JUVENILE, WITH PULMONARY ARTERIOVENOUS MALFORMATION; TELANGIECTASIA, HEREDITARY HEMORRHAGIC, WITH JUVENILE POLYPOSIS COLI. Identifiers: Orphanet 2929, MedGen C1832942, MONDO:0008278, OMIM 175050.

Allele frequency attached by ClinVar (database versions not stated): gnomAD exomes below 0.00001.

Submissions (4):

Myriad Genetics, Inc.
Classification: Benign for Juvenile polyposis/hereditary hemorrhagic telangiectasia syndrome. Last evaluated: 2025-03-18. Review status: criteria provided, single submitter. Criteria: Myriad Autosomal Dominant, Autosomal Recessive and X-Linked Classification Criteria (2023). Collection method: clinical testing. Allele origin: unknown.
Comment: This variant is considered benign. This variant is a silent/synonymous amino acid change and it is not expected to impact splicing.

Labcorp Genetics (formerly Invitae), Labcorp
Classification: Likely benign for Juvenile polyposis syndrome. Last evaluated: 2024-09-19. Review status: criteria provided, single submitter. Criteria: Invitae Variant Classification Sherloc (09022015). Collection method: clinical testing. Allele origin: germline.

Ambry Genetics
Classification: Likely benign for Hereditary cancer-predisposing syndrome; Familial thoracic aortic aneurysm and aortic dissection. Last evaluated: 2023-12-16. Review status: criteria provided, single submitter. Criteria: Ambry Variant Classification Scheme 2023. Collection method: clinical testing. Allele origin: germline.

Color Diagnostics, LLC DBA Color Health
Classification: Likely benign for Hereditary cancer-predisposing syndrome. Last evaluated: 2017-09-05. Review status: criteria provided, single submitter. Criteria: ACMG Guidelines, 2015. Collection method: clinical testing. Allele origin: germline.

NM_005359.6(SMAD4):c.27A>G (p.Thr9=)

Gene: SMAD4 (SMAD family member 4; plus strand). Cytogenetic location: 18q21.2.
Variant type: single nucleotide variant.
Coding change: c.27A>G on transcript NM_005359.6 (MANE Select); coding-DNA position 27, A replaced by G.
Protein change: p.Thr9=; no amino-acid change (threonine 9 retained).
Molecular consequence: synonymous variant.
Genome position (GRCh38, 1-based): chr18:51,047,073, A>G. VCF-style: chr18-51047073-A-G. GRCh37 (hg19) VCF-style: chr18-48573443-A-G.
Identifiers: ClinVar variation 492477 (VCV000492477.14), dbSNP rs1360609728, ClinGen allele CA503873387.